The following is an entry in ClinVar:

ClinVar aggregate classification (germline): Uncertain significance. Review status: criteria provided, multiple submitters, no conflicts (2 of 4 stars). 4 submissions from 4 submitters: Uncertain significance (4). Last evaluated 2024-11-05.

Conditions:
Hereditary cancer-predisposing syndrome. Also called: Hereditary Cancer Syndrome; Neoplastic Syndromes, Hereditary; Tumor predisposition; Hereditary neoplastic syndrome. Identifiers: Orphanet 140162, MedGen C0027672, MeSH D009386, MONDO:0015356.
Familial cancer of breast. Also called: BREAST CANCER, FAMILIAL; hereditary breast carcinoma; Hereditary breast cancer. Identifiers: Orphanet 227535, MedGen C0346153, MONDO:0016419, OMIM 114480. Disease mechanism: loss of function.
Ataxia-telangiectasia syndrome (AT). Also called: Ataxia-telangiectasia, complementation group D; AT, COMPLEMENTATION GROUP C; Ataxia-telangiectasia; ATAXIA-TELANGIECTASIA, COMPLEMENTATION GROUP A; ATAXIA-TELANGIECTASIA, FRESNO VARIANT; LOUIS-BAR SYNDROME. Identifiers: Orphanet 100, MedGen C0004135, MONDO:0008840, OMIM 208900.

Submissions (4):

Ambry Genetics
Classification: Uncertain significance for Hereditary cancer-predisposing syndrome. Last evaluated: 2024-11-05. Review status: criteria provided, single submitter. Criteria: Ambry Variant Classification Scheme 2023. Collection method: clinical testing. Allele origin: germline.
Comment: The p.H683Y variant (also known as c.2047C>T), located in coding exon 12 of the ATM gene, results from a C to T substitution at nucleotide position 2047. The histidine at codon 683 is replaced by tyrosine, an amino acid with similar properties. This amino acid position is conserved. In addition, this alteration is predicted to be tolerated by in silico analysis. Based on the available evidence, the clinical significance of this variant remains unclear.

Labcorp Genetics (formerly Invitae), Labcorp
Classification: Uncertain significance for Ataxia-telangiectasia syndrome. Last evaluated: 2024-05-13. Review status: criteria provided, single submitter. Criteria: Invitae Variant Classification Sherloc (09022015). Collection method: clinical testing. Allele origin: germline.
Comment: This sequence change replaces histidine, which is basic and polar, with tyrosine, which is neutral and polar, at codon 683 of the ATM protein (p.His683Tyr). This variant is not present in population databases (gnomAD no frequency). This variant has not been reported in the literature in individuals affected with ATM-related conditions. ClinVar contains an entry for this variant (Variation ID: 630859). An algorithm developed to predict the effect of missense changes on protein structure and function (PolyPhen-2) suggests that this variant is likely to be tolerated. In summary, the available evidence is currently insufficient to determine the role of this variant in disease. Therefore, it has been classified as a Variant of Uncertain Significance.

Fulgent Genetics
Classification: Uncertain significance for Familial cancer of breast; Ataxia-telangiectasia syndrome. Last evaluated: 2024-02-21. Review status: criteria provided, single submitter. Criteria: ACMG Guidelines, 2015. Collection method: clinical testing. Allele origin: germline.

Color Diagnostics, LLC DBA Color Health
Classification: Uncertain significance for Hereditary cancer-predisposing syndrome. Last evaluated: 2023-12-05. Review status: criteria provided, single submitter. Criteria: ACMG Guidelines, 2015. Collection method: clinical testing. Allele origin: germline.
Comment: This missense variant replaces histidine with tyrosine at codon 683 of the ATM protein. Computational prediction suggests that this variant may not impact protein structure and function (internally defined REVEL score threshold <= 0.5, PMID: 27666373). To our knowledge, functional studies have not been reported for this variant. This variant has not been reported in individuals affected with ATM-related disorders in the literature. This variant has not been identified in the general population by the Genome Aggregation Database (gnomAD). The available evidence is insufficient to determine the role of this variant in disease conclusively. Therefore, this variant is classified as a Variant of Uncertain Significance.

NM_000051.4(ATM):c.2047C>T (p.His683Tyr)

Gene: ATM (ATM serine/threonine kinase; plus strand). Cytogenetic location: 11q22.3.
Variant type: single nucleotide variant.
Coding change: c.2047C>T on transcript NM_000051.4 (MANE Select); coding-DNA position 2047, C replaced by T.
Protein change: p.His683Tyr; replaces histidine 683 with tyrosine.
Molecular consequence: missense variant.
Genome position (GRCh38, 1-based): chr11:108,253,962, C>T. VCF-style: chr11-108253962-C-T. GRCh37 (hg19) VCF-style: chr11-108124689-C-T.
Other names: c.2047C>T, p.His683Tyr (NM_001351834.2); short protein forms H683Y.
Identifiers: ClinVar variation 630859 (VCV000630859.15), dbSNP rs1565390482, ClinGen allele CA382537433.